The following is an entry in ClinVar:

ClinVar aggregate classification (germline): Likely benign. Review status: criteria provided, multiple submitters, no conflicts (2 of 4 stars). 4 submissions from 4 submitters: Likely benign (3). 1 of the submissions does not count toward it. Last evaluated 2025-05-02.

Conditions:
Hereditary cancer-predisposing syndrome. Also called: Tumor predisposition; Hereditary neoplastic syndrome; Hereditary Cancer Syndrome; Neoplastic Syndromes, Hereditary. Identifiers: Orphanet 140162, MedGen C0027672, MeSH D009386, MONDO:0015356.
Hereditary breast ovarian cancer syndrome. Also called: Hereditary breast and/or ovarian cancer syndrome; Breast and ovarian cancer; Hereditary breast and ovarian cancer syndrome; Hereditary breast and ovarian cancer; Hereditary breast and ovarian cancer syndrome (HBOC); BRCA1- and BRCA2-Associated Hereditary Breast and Ovarian Cancer. Identifiers: Orphanet 145, MedGen C0677776, MeSH D061325, MONDO:0003582. Disease mechanism: loss of function.
Breast-ovarian cancer, familial, susceptibility to, 1 (BROVCA1). Also called: BRCA1 Hereditary Breast and Ovarian Cancer; OVARIAN CANCER, SUSCEPTIBILITY TO. Identifiers: Orphanet 145, MedGen C2676676, MONDO:0011450, OMIM 604370. Disease mechanism: loss of function.

Allele frequency attached by ClinVar (database versions not stated): gnomAD exomes below 0.00001 and 0.00002; ExAC 0.00001; TOPMed 0.00001.
gnomAD v4.1: 28 of 1,590,364 alleles (0.0018%); highest among the groups gnomAD compares: Non-Finnish European, 0.0023%; no homozygotes.

Submissions (4):

Labcorp Genetics (formerly Invitae), Labcorp
Classification: Likely benign for Hereditary breast ovarian cancer syndrome. Last evaluated: 2025-05-02. Review status: criteria provided, single submitter. Criteria: Invitae Variant Classification Sherloc (09022015). Collection method: clinical testing. Allele origin: germline.

Women's Health and Genetics/Laboratory Corporation of America, LabCorp
Classification: Likely benign. Last evaluated: 2023-06-08. Review status: criteria provided, single submitter. Criteria: LabCorp Variant Classification Summary - May 2015. Collection method: clinical testing. Allele origin: germline.
Comment: Variant summary: BRCA1 c.594-20A>G alters a non-conserved nucleotide located close to a canonical splice site and therefore could affect mRNA splicing, leading to a significantly altered protein sequence. 4/4 computational tools predict no significant impact on normal splicing. A functional study similarly found no evidence of the variant affecting splicing and showed that it produced a normal transcript (Wangensteen_2019). The variant allele was found at a frequency of 4.1e-06 in 246738 control chromosomes (gnomAD). The available data on variant occurrences in the general population are insufficient to allow any conclusion about variant significance. To our knowledge, no occurrence of c.594-20A>G in individuals affected with Hereditary Breast And Ovarian Cancer Syndrome and no experimental evidence demonstrating an impact on protein function have been reported. The following publication has been ascertained in the context of this evaluation (PMID: 31143303). Two clinical diagnostic laboratories have submitted clinical-significance assessments for this variant to ClinVar after 2014 and both classified the variant as likely benign. Based on the evidence outlined above, the variant was classified as likely benign.

Color Diagnostics, LLC DBA Color Health
Classification: Likely benign for Hereditary cancer-predisposing syndrome. Last evaluated: 2018-02-16. Review status: criteria provided, single submitter. Criteria: ACMG Guidelines, 2015. Collection method: clinical testing. Allele origin: germline.

Breast Cancer Information Core (BIC) (BRCA1)
Classification: Uncertain significance for Breast-ovarian cancer, familial 1. Last evaluated: 2004-11-25. Review status: no assertion criteria provided. Collection method: clinical testing. Allele origin: germline. Affected: yes. Observed: 1 variant allele. Not counted in ClinVar's aggregate classification.

Literature cited by the submitters: PubMed 31143303 (cited by Women's Health and Genetics/Laboratory Corporation of America, LabCorp).

NM_007294.4(BRCA1):c.594-20A>G

Gene: BRCA1 (BRCA1 DNA repair associated; minus strand). Cytogenetic location: 17q21.31.
Variant type: single nucleotide variant.
Coding change: c.594-20A>G on transcript NM_007294.4 (MANE Select); 20 bases into the intron before coding-DNA position 594, A replaced by G.
Molecular consequence: intron variant.
Genome position (GRCh38, 1-based): chr17:43,095,942, T>C on the plus strand (A>G on the coding strand, the complement: BRCA1 is on the minus strand). VCF-style: chr17-43095942-T-C. GRCh37 (hg19) VCF-style: chr17-41247959-T-C.
Other names: IVS9-20A>G; c.453-20A>G (NM_001408458.1, NM_001408469.1, NM_001408453.1 and 43 more transcripts); c.-218-1082A>G (NM_001407967.1, NM_001407966.1); c.213-20A>G (NM_001407959.1, NM_001408510.1, NM_001407963.1 and 1 more transcripts); c.404-1082A>G (NM_001407931.1, NM_001407932.1, NM_001408503.1 and 5 more transcripts); c.450-20A>G (NM_001407747.1, NM_001408470.1, NM_001407848.1 and 26 more transcripts); c.210-20A>G (NM_001407962.1); c.167-1082A>G (NM_001408512.1, NM_001407965.1); and 18 more.
Identifiers: ClinVar variation 125897 (VCV000125897.17), dbSNP rs80358017, ClinGen allele CA003753.